The following is an entry in ClinVar:

NM_002109.6(HARS1):c.300+6G>A

Gene: HARS1 (histidyl-tRNA synthetase 1; minus strand). Cytogenetic location: 5q31.3.
Variant type: single nucleotide variant.
Coding change: c.300+6G>A on transcript NM_002109.6 (MANE Select); 6 bases into the intron after coding-DNA position 300, G replaced by A.
Molecular consequence: intron variant.
Genome position (GRCh38, 1-based): chr5:140,683,094, C>T on the plus strand (G>A on the coding strand, the complement: HARS1 is on the minus strand). VCF-style: chr5-140683094-C-T. GRCh37 (hg19) VCF-style: chr5-140062679-C-T.
Other names: c.213+6G>A (NM_001289094.2); c.181-5079G>A (NM_001289093.2); c.181-3211G>A (NM_001258042.3, NM_001258040.3); c.300+6G>A (NM_001289092.2, NM_001258041.3).
Identifiers: ClinVar variation 2898340 (VCV002898340.3), dbSNP rs756096397, ClinGen allele CA3444147.

ClinVar aggregate classification (germline): Uncertain significance (1 of 4 stars; one submission).

Conditions:
Usher syndrome type 3B. Also called: USHER SYNDROME, TYPE IIIB. Identifiers: MedGen C3281066, MONDO:0013788, OMIM 614504.

Allele frequency attached by ClinVar (database versions not stated): gnomAD exomes below 0.00001; ExAC 0.00001; TOPMed 0.00001.
gnomAD v4.1: 1 of 1,612,280 alleles (0.000062%); highest among the groups gnomAD compares: Admixed American, 0.0017%; no homozygotes.

Submission:

Labcorp Genetics (formerly Invitae), Labcorp
Classification: Uncertain significance for Usher syndrome type 3B. Last evaluated: 2025-02-22. Review status: criteria provided, single submitter. Criteria: Invitae Variant Classification Sherloc (09022015). Collection method: clinical testing. Allele origin: germline.
Comment: This sequence change falls in intron 3 of the HARS gene. It does not directly change the encoded amino acid sequence of the HARS protein. It affects a nucleotide within the consensus splice site. This variant is present in population databases (rs756096397, gnomAD 0.006%). This variant has not been reported in the literature in individuals affected with HARS-related conditions. ClinVar contains an entry for this variant (Variation ID: 2898340). Variants that disrupt the consensus splice site are a relatively common cause of aberrant splicing (PMID: 17576681, 9536098). Algorithms developed to predict the effect of sequence changes on RNA splicing suggest that this variant is not likely to affect RNA splicing. In summary, the available evidence is currently insufficient to determine the role of this variant in disease. Therefore, it has been classified as a Variant of Uncertain Significance.

Literature cited by the submitters: PubMed 17576681; PubMed 9536098.